The following is an entry in ClinVar:

NM_001025356.3(ANO6):c.1285G>A (p.Val429Ile)

Gene: ANO6 (anoctamin 6; plus strand). Cytogenetic location: 12q12.
Variant type: single nucleotide variant.
Coding change: c.1285G>A on transcript NM_001025356.3 (MANE Select); coding-DNA position 1285, G replaced by A.
Protein change: p.Val429Ile; replaces valine 429 with isoleucine.
Molecular consequence: missense variant.
Genome position (GRCh38, 1-based): chr12:45,388,280, G>A. VCF-style: chr12-45388280-G-A. GRCh37 (hg19) VCF-style: chr12-45782063-G-A.
Other names: c.1231G>A, p.Val411Ile (NM_001142678.2); c.1285G>A, p.Val429Ile (NM_001142679.2); c.1348G>A, p.Val450Ile (NM_001204803.2); c.1252G>A, p.Val418Ile (NM_001410973.1); c.1285G>A (NM_001025356.2); short protein forms V429I, V411I, V450I, V418I.
Identifiers: ClinVar variation 2079370 (VCV002079370.5), dbSNP rs757121451, ClinGen allele CA6525289.

ClinVar aggregate classification (germline): Conflicting classifications of pathogenicity. Review status: criteria provided, conflicting classifications (1 of 4 stars). 2 submissions from 2 submitters: Uncertain significance (1); Likely benign (1). Last evaluated 2025-04-30.

Conditions:
Inborn genetic diseases. Identifiers: MedGen C0950123, MeSH D030342.

Allele frequency attached by ClinVar (database versions not stated): ExAC 0.00002; gnomAD 0.00001; gnomAD exomes 0.00001; TOPMed 0.00001.
gnomAD v4.1: 20 of 1,613,956 alleles (0.0012%); highest among the groups gnomAD compares: South Asian, 0.0022%; no homozygotes.

Submissions (2):

Ambry Genetics
Classification: Likely benign for Inborn genetic diseases. Last evaluated: 2025-04-30. Review status: criteria provided, single submitter. Criteria: Ambry Variant Classification Scheme 2023. Collection method: clinical testing. Allele origin: germline.

Labcorp Genetics (formerly Invitae), Labcorp
Classification: Uncertain significance. Last evaluated: 2022-08-03. Review status: criteria provided, single submitter. Criteria: Invitae Variant Classification Sherloc (09022015). Collection method: clinical testing. Allele origin: germline.
Comment: In summary, the available evidence is currently insufficient to determine the role of this variant in disease. Therefore, it has been classified as a Variant of Uncertain Significance. Advanced modeling of protein sequence and biophysical properties (such as structural, functional, and spatial information, amino acid conservation, physicochemical variation, residue mobility, and thermodynamic stability) performed at Invitae indicates that this missense variant is not expected to disrupt ANO6 protein function. This variant has not been reported in the literature in individuals affected with ANO6-related conditions. This variant is present in population databases (rs757121451, gnomAD 0.006%). This sequence change replaces valine, which is neutral and non-polar, with isoleucine, which is neutral and non-polar, at codon 429 of the ANO6 protein (p.Val429Ile).